The following is an entry in ClinVar:

NM_152564.5(VPS13B):c.8421del (p.Asn2808fs)

Gene: VPS13B (vacuolar protein sorting 13 homolog B; plus strand). Cytogenetic location: 8q22.2.
Variant type: Deletion.
Coding change: c.8421del on transcript NM_152564.5 (MANE Select); coding-DNA position 8421, one base deleted (C; older notation c.8421delC).
Protein change: p.Asn2808fs; shifts the reading frame from asparagine 2808.
Molecular consequence: frameshift variant.
Genome position (GRCh38, 1-based): chr8:99,818,510, C deleted; the last of 3 consecutive C bases (chr8:99,818,508-99,818,510); deleting any one gives the same sequence. VCF-style (leftmost placement, unchanged base first): chr8-99818507-AC-A. GRCh37 (hg19) VCF-style: chr8-100830735-AC-A.
Other names: c.8496delC (NM_017890.4); c.8496del, p.Asn2833fs (NM_017890.5); short protein forms N2833fs, N2808fs.
Identifiers: ClinVar variation 658663 (VCV000658663.9), dbSNP rs1588743576, ClinGen allele CA915948692.
Genomic context (GRCh38, chr8:99,818,507, plus strand): 5'-GCAGGTGCCATCTTCAAACAGTTCCATTATTTATGTCTGGTGCACAGTTTTGACTTTAGA[AC>A]CCAACTCTCAAGTGCAACAACGAATGGTGAGTGCTTTCCCAATCCTAAAATATGGTATAT-3'

ClinVar aggregate classification (germline): Pathogenic (1 of 4 stars; one submission).

Conditions:
Cohen syndrome (COH1). Also called: PEPPER SYNDROME; Cutis verticis gyrata, retinitis pigmentosa, and sensorineural deafness. Identifiers: Orphanet 193, MedGen C0265223, MONDO:0008999, OMIM 216550.

Submission:

Labcorp Genetics (formerly Invitae), Labcorp
Classification: Pathogenic for Cohen syndrome. Last evaluated: 2019-02-15. Review status: criteria provided, single submitter. Criteria: Invitae Variant Classification Sherloc (09022015). Collection method: clinical testing. Allele origin: germline.
Comment: This sequence change creates a premature translational stop signal (p.Asn2833Thrfs*8) in the VPS13B gene. It is expected to result in an absent or disrupted protein product. This variant is not present in population databases (ExAC no frequency). For these reasons, this variant has been classified as Pathogenic. Loss-of-function variants in VPS13B are known to be pathogenic (PMID: 15141358, 16648375, 20461111). This variant has not been reported in the literature in individuals with VPS13B-related disease.

Literature cited by the submitters: PubMed 15141358; PubMed 16648375; PubMed 20461111.